The following is an entry in ClinVar:

ClinVar aggregate classification (germline): Uncertain significance. Review status: criteria provided, multiple submitters, no conflicts (2 of 4 stars). 2 submissions from 2 submitters: Uncertain significance (2). Last evaluated 2026-07-06.

Conditions:
Fanconi anemia complementation group J. Also called: BRIP1-Related Fanconi Anemia. Identifiers: Orphanet 84, MedGen C1836860, MONDO:0012187, OMIM 609054.
Familial cancer of breast. Also called: Hereditary breast cancer; hereditary breast carcinoma; BREAST CANCER, FAMILIAL. Identifiers: Orphanet 227535, MedGen C0346153, MONDO:0016419, OMIM 114480. Disease mechanism: loss of function.
Hereditary cancer-predisposing syndrome. Also called: Tumor predisposition; Hereditary Cancer Syndrome; Hereditary neoplastic syndrome; Neoplastic Syndromes, Hereditary. Identifiers: Orphanet 140162, MedGen C0027672, MeSH D009386, MONDO:0015356.

Submissions (2):

Ambry Genetics
Classification: Uncertain significance for Hereditary cancer-predisposing syndrome. Last evaluated: 2026-07-06. Review status: criteria provided, single submitter. Criteria: Ambry Variant Classification Scheme 2023. Collection method: clinical testing. Allele origin: germline.
Comment: The p.A776T variant (also known as c.2326G>A), located in coding exon 15 of the BRIP1 gene, results from a G to A substitution at nucleotide position 2326. The alanine at codon 776 is replaced by threonine, an amino acid with similar properties. This amino acid position is conserved. In addition, this alteration is predicted to be deleterious by in silico analysis. Based on the available evidence, the clinical significance of this variant remains unclear.

Labcorp Genetics (formerly Invitae), Labcorp
Classification: Uncertain significance for Familial cancer of breast; Fanconi anemia complementation group J. Last evaluated: 2020-06-29. Review status: criteria provided, single submitter. Criteria: Invitae Variant Classification Sherloc (09022015). Collection method: clinical testing. Allele origin: germline.
Comment: In summary, the available evidence is currently insufficient to determine the role of this variant in disease. Therefore, it has been classified as a Variant of Uncertain Significance. Algorithms developed to predict the effect of missense changes on protein structure and function are either unavailable or do not agree on the potential impact of this missense change (SIFT: "Deleterious"; PolyPhen-2: "Probably Damaging"; Align-GVGD: "Class C0"). This variant has not been reported in the literature in individuals with BRIP1-related conditions. This variant is not present in population databases (ExAC no frequency). This sequence change replaces alanine with threonine at codon 776 of the BRIP1 protein (p.Ala776Thr). The alanine residue is highly conserved and there is a small physicochemical difference between alanine and threonine.

NM_032043.3(BRIP1):c.2326G>A (p.Ala776Thr)

Gene: BRIP1 (BRCA1 interacting DNA helicase 1; minus strand). Cytogenetic location: 17q23.2.
Variant type: single nucleotide variant.
Coding change: c.2326G>A on transcript NM_032043.3 (MANE Select); coding-DNA position 2326, G replaced by A.
Protein change: p.Ala776Thr; replaces alanine 776 with threonine.
Molecular consequence: missense variant.
Genome position (GRCh38, 1-based): chr17:61,743,066, C>T on the plus strand (G>A on the coding strand, the complement: BRIP1 is on the minus strand). VCF-style: chr17-61743066-C-T. GRCh37 (hg19) VCF-style: chr17-59820427-C-T.
Other names: c.2326G>A (NM_032043.2); short protein forms A776T.
Identifiers: ClinVar variation 1009875 (VCV001009875.10), dbSNP rs2077007192, ClinGen allele CA400482627.